The following is an entry in ClinVar:

ClinVar aggregate classification (germline): Conflicting classifications of pathogenicity. Review status: criteria provided, conflicting classifications (1 of 4 stars). 7 submissions from 7 submitters: Pathogenic (1); Likely pathogenic (1); Uncertain significance (3). 2 of the submissions do not count toward it. Last evaluated 2025-07-17.

Conditions:
early onset and severe retinal dystrophy.
Neuronal ceroid lipofuscinosis. Also called: Neuronal Ceroid Lipofuscinoses. Identifiers: Orphanet 216, Orphanet 79263, MedGen C0027877, MONDO:0016295. Disease mechanism: loss of function.
Neuronal ceroid lipofuscinosis 3 (CLN3). Identifiers: Orphanet 228346, MedGen C0751383, MONDO:0008767, OMIM 204200.

Allele frequency attached by ClinVar (database versions not stated): gnomAD exomes below 0.00001; gnomAD 0.00001; TOPMed 0.00001.
gnomAD v4.1: 6 of 1,613,768 alleles (0.00037%); highest among the groups gnomAD compares: Non-Finnish European, 0.00051%; no homozygotes.

Submissions (7):

Women's Health and Genetics/Laboratory Corporation of America, LabCorp
Classification: Uncertain significance. Last evaluated: 2025-07-17. Review status: criteria provided, single submitter. Criteria: LabCorp Variant Classification Summary - May 2015. Collection method: clinical testing. Allele origin: germline.
Comment: Variant summary: CLN3 c.1256G>A (p.Gly419Glu) results in a non-conservative amino acid change in the encoded protein sequence. Algorithms developed to predict the effect of missense changes on protein structure and function are either unavailable or do not agree on the potential impact of this missense change. The variant was absent in 250768 control chromosomes. c.1256G>A has been reported in the literature in individuals affected with Batten Disease (example, Griffith_2022, Retterer_2016, internal data). These data indicate that the variant may be associated with disease. To our knowledge, no experimental evidence demonstrating an impact on protein function has been reported. The following publications have been ascertained in the context of this evaluation (PMID: 36011402, 26633542). ClinVar contains an entry for this variant (Variation ID: 205102). Based on the evidence outlined above, the variant was classified as VUS-possibly pathogenic.

Labcorp Genetics (formerly Invitae), Labcorp
Classification: Pathogenic for Neuronal ceroid lipofuscinosis. Last evaluated: 2025-02-26. Review status: criteria provided, single submitter. Criteria: Invitae Variant Classification Sherloc (09022015). Collection method: clinical testing. Allele origin: germline.
Comment: This sequence change replaces glycine, which is neutral and non-polar, with glutamic acid, which is acidic and polar, at codon 419 of the CLN3 protein (p.Gly419Glu). This variant is not present in population databases (gnomAD no frequency). This missense change has been observed in individual(s) with an abnormality of the eye and/or clinical features of retinitis pigmentosa (PMID: 26633542; internal data). In at least one individual the data is consistent with being in trans (on the opposite chromosome) from a pathogenic variant. ClinVar contains an entry for this variant (Variation ID: 205102). Invitae Evidence Modeling of protein sequence and biophysical properties (such as structural, functional, and spatial information, amino acid conservation, physicochemical variation, residue mobility, and thermodynamic stability) indicates that this missense variant is expected to disrupt CLN3 protein function with a positive predictive value of 95%. For these reasons, this variant has been classified as Pathogenic.

Fulgent Genetics
Classification: Likely pathogenic for Neuronal ceroid lipofuscinosis 3. Last evaluated: 2024-04-03. Review status: criteria provided, single submitter. Criteria: ACMG Guidelines, 2015. Collection method: clinical testing. Allele origin: germline.

Blueprint Genetics
Classification: Uncertain significance. Last evaluated: 2022-02-07. Review status: criteria provided, single submitter. Criteria: ACMG Guidelines, 2015. Collection method: clinical testing. Allele origin: germline.

Genome-Nilou Lab
Classification: Uncertain significance for Neuronal ceroid lipofuscinosis 3. Last evaluated: 2021-09-05. Review status: criteria provided, single submitter. Criteria: ACMG Guidelines, 2015. Collection method: clinical testing. Allele origin: germline. Affected: no.

Counsyl
Classification: Uncertain significance for Neuronal ceroid lipofuscinosis 3. Last evaluated: 2018-04-11. Review status: no assertion criteria provided. Collection method: clinical testing. Allele origin: unknown. Not counted in ClinVar's aggregate classification.

Laboratory of Genetics in Ophthalmology, Institut Imagine
Classification: Likely pathogenic for early onset and severe retinal dystrophy. Review status: no assertion criteria provided. Collection method: research. Allele origin: inherited. Affected: yes. Observed: 1 variant allele. Not counted in ClinVar's aggregate classification.

Literature cited by the submitters: PubMed 26633542 (cited by 3 submitters); PubMed 36011402 (cited by Women's Health and Genetics/Laboratory Corporation of America, LabCorp).

NM_001042432.2(CLN3):c.1256G>A (p.Gly419Glu)

Gene: CLN3 (CLN3 lysosomal/endosomal transmembrane protein, battenin; minus strand). Cytogenetic location: 16p12.1.
Variant type: single nucleotide variant.
Coding change: c.1256G>A on transcript NM_001042432.2 (MANE Select); coding-DNA position 1256, G replaced by A.
Protein change: p.Gly419Glu; replaces glycine 419 with glutamic acid.
Molecular consequence: missense variant.
Genome position (GRCh38, 1-based): chr16:28,477,577, C>T on the plus strand (G>A on the coding strand, the complement: CLN3 is on the minus strand). VCF-style: chr16-28477577-C-T. GRCh37 (hg19) VCF-style: chr16-28488898-C-T.
Other names: c.1256G>A, p.Gly419Glu (NM_000086.2); c.1184G>A, p.Gly395Glu (NM_001286104.2); c.956G>A, p.Gly319Glu (NM_001286105.2); c.1022G>A, p.Gly341Glu (NM_001286109.2); c.1094G>A, p.Gly365Glu (NM_001286110.2); short protein forms G419E, G365E, G341E, G319E, G395E.
Identifiers: ClinVar variation 205102 (VCV000205102.18), dbSNP rs796052338, ClinGen allele CA313757.